The following is an entry in ClinVar:

ClinVar aggregate classification (germline): Uncertain significance (1 of 4 stars; one submission).

Submission:

Labcorp Genetics (formerly Invitae), Labcorp
Classification: Uncertain significance. Last evaluated: 2022-05-27. Review status: criteria provided, single submitter. Criteria: Invitae Variant Classification Sherloc (09022015). Collection method: clinical testing. Allele origin: germline.
Comment: This sequence change replaces proline, which is neutral and non-polar, with serine, which is neutral and polar, at codon 797 of the DDX58 protein (p.Pro797Ser). This variant is not present in population databases (gnomAD no frequency). This variant has not been reported in the literature in individuals affected with DDX58-related conditions. Algorithms developed to predict the effect of missense changes on protein structure and function output the following: SIFT: "Tolerated"; PolyPhen-2: "Benign"; Align-GVGD: "Class C0". The serine amino acid residue is found in multiple mammalian species, which suggests that this missense change does not adversely affect protein function. In summary, the available evidence is currently insufficient to determine the role of this variant in disease. Therefore, it has been classified as a Variant of Uncertain Significance.

NM_014314.4(RIGI):c.2389C>T (p.Pro797Ser)

Genes: RIGI (RNA sensor RIG-I; minus strand), LOC101060445 (uncharacterized LOC101060445; plus strand). Cytogenetic location: 9p21.1.
Variant type: single nucleotide variant.
Coding change: c.2389C>T on transcript NM_014314.4 (MANE Select); coding-DNA position 2389, C replaced by T.
Protein change: p.Pro797Ser; replaces proline 797 with serine.
Molecular consequence: missense variant.
Genome position (GRCh38, 1-based): chr9:32,459,463, G>A on the plus strand (C>T on the coding strand, the complement: RIGI is on the minus strand). VCF-style: chr9-32459463-G-A. GRCh37 (hg19) VCF-style: chr9-32459461-G-A.
Other names: c.2383C>T, p.Pro795Ser (NM_001385907.1); c.2218C>T, p.Pro740Ser (NM_001385909.1); c.1948C>T, p.Pro650Ser (NM_001385910.1); c.1780C>T, p.Pro594Ser (NM_001385912.1); c.2374C>T, p.Pro792Ser (NM_001385913.1); c.1945C>T, p.Pro649Ser (NM_001385914.1); short protein forms P740S, P649S, P650S, P792S, P594S, P795S, P797S.
Identifiers: ClinVar variation 1999435 (VCV001999435.4), dbSNP rs2489281367, ClinGen allele CA373144355.